The following is an entry in ClinVar:

NM_000744.7(CHRNA4):c.1522G>A (p.Gly508Ser)

Gene: CHRNA4 (cholinergic receptor nicotinic alpha 4 subunit; minus strand). Cytogenetic location: 20q13.33.
Variant type: single nucleotide variant.
Coding change: c.1522G>A on transcript NM_000744.7 (MANE Select); coding-DNA position 1522, G replaced by A.
Protein change: p.Gly508Ser; replaces glycine 508 with serine.
Molecular consequence: missense variant. On other transcripts: non-coding transcript variant (1).
Genome position (GRCh38, 1-based): chr20:63,349,889, C>T on the plus strand (G>A on the coding strand, the complement: CHRNA4 is on the minus strand). VCF-style: chr20-63349889-C-T. GRCh37 (hg19) VCF-style: chr20-61981241-C-T.
Other names: c.994G>A, p.Gly332Ser (NM_001256573.2); short protein forms G508S, G332S.
Identifiers: ClinVar variation 567594 (VCV000567594.13), dbSNP rs111286066, ClinGen allele CA9957581.
Genomic context (GRCh38, chr20:63,349,889, plus strand): 5'-GAGAGGGCTGGTCTGGGGGTGGGAGCTCAGCCGAGTGGGTGTTGCGAGAGGCCAGGGCGC[C>T]GGCAGCCTGGCCATCTGCCTCGGGGGCGGCATCGTCTCGGGGAACACAGTACTGGATGCT-3'
Protein context (NP_000735.1, residues 498-518): AAPEADGQAA[Gly508Ser]ALASRNTHSA

ClinVar aggregate classification (germline): Conflicting classifications of pathogenicity. Review status: criteria provided, conflicting classifications (1 of 4 stars). 3 submissions from 3 submitters: Uncertain significance (2); Likely benign (1). Last evaluated 2025-08-03.

Conditions:
CHRNA4-related disorder. Also called: CHRNA4-related condition.
Inborn genetic diseases. Identifiers: MedGen C0950123, MeSH D030342.
Familial sleep-related hypermotor epilepsy. Also called: Autosomal Dominant Sleep-Related Hypermotor (Hyperkinetic) Epilepsy. Identifiers: Orphanet 98784, MedGen C3696898, MONDO:0000030.

Allele frequency attached by ClinVar (database versions not stated): gnomAD 0.00006 and 0.00004; TOPMed 0.00010; ExAC 0.00001.
gnomAD v4.1: 19 of 1,592,274 alleles (0.0012%); highest among the groups gnomAD compares: Admixed American, 0.015%; no homozygotes.

Submissions (3):

Ambry Genetics
Classification: Likely benign for Inborn genetic diseases. Last evaluated: 2025-08-03. Review status: criteria provided, single submitter. Criteria: Ambry Variant Classification Scheme 2023. Collection method: clinical testing. Allele origin: germline.

Labcorp Genetics (formerly Invitae), Labcorp
Classification: Uncertain significance. Last evaluated: 2025-05-01. Review status: criteria provided, single submitter. Criteria: Invitae Variant Classification Sherloc (09022015). Collection method: clinical testing. Allele origin: germline.
Comment: This sequence change replaces glycine, which is neutral and non-polar, with serine, which is neutral and polar, at codon 508 of the CHRNA4 protein (p.Gly508Ser). The frequency data for this variant in the population databases is considered unreliable, as metrics indicate poor data quality at this position in the gnomAD database. This variant has not been reported in the literature in individuals affected with CHRNA4-related conditions. ClinVar contains an entry for this variant (Variation ID: 567594). Invitae Evidence Modeling of protein sequence and biophysical properties (such as structural, functional, and spatial information, amino acid conservation, physicochemical variation, residue mobility, and thermodynamic stability) indicates that this missense variant is not expected to disrupt CHRNA4 protein function with a negative predictive value of 80%. In summary, the available evidence is currently insufficient to determine the role of this variant in disease. Therefore, it has been classified as a Variant of Uncertain Significance.

PreventionGenetics, part of Exact Sciences
Classification: Uncertain significance for CHRNA4-related condition. Last evaluated: 2025-04-11. Review status: criteria provided, single submitter. Criteria: ACMG Guidelines, 2015. Collection method: clinical testing. Allele origin: germline.
Comment: The CHRNA4 c.1522G>A variant is predicted to result in the amino acid substitution p.Gly508Ser. To our knowledge, this variant has not been reported in the literature. This variant is reported in 0.0060% of alleles in individuals of Latino descent in gnomAD. At this time, the clinical significance of this variant is uncertain due to the absence of conclusive functional and genetic evidence.